The following is an entry in ClinVar:

NM_006372.5(SYNCRIP):c.1336C>T (p.Arg446Ter)

Gene: SYNCRIP (synaptotagmin binding cytoplasmic RNA interacting protein; minus strand). Cytogenetic location: 6q14.3.
Variant type: single nucleotide variant.
Coding change: c.1336C>T on transcript NM_006372.5 (MANE Select); coding-DNA position 1336, C replaced by T.
Protein change: p.Arg446Ter; replaces arginine 446 with a stop codon.
Molecular consequence: nonsense.
Genome position (GRCh38, 1-based): chr6:85,615,292, G>A on the plus strand (C>T on the coding strand, the complement: SYNCRIP is on the minus strand). VCF-style: chr6-85615292-G-A. GRCh37 (hg19) VCF-style: chr6-86325010-G-A.
Other names: c.1042C>T, p.Arg348Ter (NM_001159673.2, NM_001410938.1); c.1231C>T, p.Arg411Ter (NM_001159674.2, NM_001159675.2); c.1336C>T, p.Arg446Ter (NM_001159676.2, NM_001159677.2); c.880C>T, p.Arg294Ter (NM_001253771.2); short protein forms R294*, R348*, R411*, R446*.
Identifiers: ClinVar variation 4056885 (VCV004056885.1).
Genomic context (GRCh38, chr6:85,615,292, plus strand): 5'-AATCTTCATATCCATAATAATCTGGAGGATATCCATAACCACCTCTACCTCCACGCCCTC[G>A]ACCTCTTGTTGGAGGGGGCATATGAGGTGGACCATAATAGTAGTAATCGTCATACCTATT-3'

ClinVar aggregate classification (germline): Pathogenic (1 of 4 stars; one submission).

Submission:

GeneDx
Classification: Pathogenic. Last evaluated: 2025-01-12. Review status: criteria provided, single submitter. Criteria: GeneDx Variant Classification Process June 2021. Collection method: clinical testing. Allele origin: germline. Affected: yes.
Comment: Nonsense variant predicted to result in protein truncation or nonsense mediated decay in a gene for which loss of function is a known mechanism of disease; Not observed at significant frequency in large population cohorts (gnomAD); This variant is associated with the following publications: (PMID: 33874999)